The following is an entry in ClinVar:

NM_000337.6(SGCD):c.776A>C (p.Lys259Thr)

Gene: SGCD (sarcoglycan delta; plus strand). Cytogenetic location: 5q33.3.
Variant type: single nucleotide variant.
Coding change: c.776A>C on transcript NM_000337.6 (MANE Select); coding-DNA position 776, A replaced by C.
Protein change: p.Lys259Thr; replaces lysine 259 with threonine.
Molecular consequence: missense variant.
Genome position (GRCh38, 1-based): chr5:156,759,293, A>C. VCF-style: chr5-156759293-A-C. GRCh37 (hg19) VCF-style: chr5-156186304-A-C.
Other names: c.773A>C, p.Lys258Thr (NM_001128209.2); short protein forms K258T, K259T.
Identifiers: ClinVar variation 4844375 (VCV004844375.1).

ClinVar aggregate classification (germline): Uncertain significance (1 of 4 stars; one submission).

Conditions:
Inborn genetic diseases. Identifiers: MedGen C0950123, MeSH D030342.

Submission:

Ambry Genetics
Classification: Uncertain significance for Inborn genetic diseases. Last evaluated: 2026-02-19. Review status: criteria provided, single submitter. Criteria: Ambry Variant Classification Scheme 2023. Collection method: clinical testing. Allele origin: germline.
Comment: The p.K259T variant (also known as c.776A>C), located in coding exon 8 of the SGCD gene, results from an A to C substitution at nucleotide position 776. The lysine at codon 259 is replaced by threonine, an amino acid with similar properties. This amino acid position is conserved. In addition, the in silico prediction for this alteration is inconclusive. Based on the available evidence, the clinical significance of this variant remains unclear.